The following is an entry in ClinVar:

NM_001330588.2(TPP2):c.268G>T (p.Val90Phe)

Gene: TPP2 (tripeptidyl peptidase 2; plus strand). Cytogenetic location: 13q33.1.
Variant type: single nucleotide variant.
Coding change: c.268G>T on transcript NM_001330588.2 (MANE Select); coding-DNA position 268, G replaced by T.
Protein change: p.Val90Phe; replaces valine 90 with phenylalanine.
Molecular consequence: missense variant. On other transcripts: non-coding transcript variant (1).
Genome position (GRCh38, 1-based): chr13:102,604,895, G>T. VCF-style: chr13-102604895-G-T. GRCh37 (hg19) VCF-style: chr13-103257245-G-T.
Other names: c.268G>T, p.Val90Phe (NM_001367947.1, NM_003291.4); short protein forms V90F.
Identifiers: ClinVar variation 4730544 (VCV004730544.1).

ClinVar aggregate classification (germline): Uncertain significance (1 of 4 stars; one submission).

Conditions:
Evans syndrome, immunodeficiency, and premature immunosenescence associated with tripeptidyl-peptidase II deficiency. Identifiers: MedGen CN231723. Disease mechanism: loss of function.

Submission:

Labcorp Genetics (formerly Invitae), Labcorp
Classification: Uncertain significance for Evans syndrome, immunodeficiency, and premature immunosenescence associated with tripeptidyl-peptidase II deficiency. Last evaluated: 2025-11-06. Review status: criteria provided, single submitter. Criteria: Invitae Variant Classification Sherloc (09022015). Collection method: clinical testing. Allele origin: germline.
Comment: This sequence change replaces valine, which is neutral and non-polar, with phenylalanine, which is neutral and non-polar, at codon 90 of the TPP2 protein (p.Val90Phe). This variant is present in population databases (rs747420582, gnomAD 0.0009%). This variant has not been reported in the literature in individuals affected with TPP2-related conditions. An algorithm developed to predict the effect of missense changes on protein structure and function (PolyPhen-2) suggests that this variant is likely to be tolerated. In summary, the available evidence is currently insufficient to determine the role of this variant in disease. Therefore, it has been classified as a Variant of Uncertain Significance.